The following is an entry in ClinVar:

NM_182961.4(SYNE1):c.7873G>A (p.Glu2625Lys)

Gene: SYNE1 (spectrin repeat containing nuclear envelope protein 1; minus strand). Cytogenetic location: 6q25.2.
Variant type: single nucleotide variant.
Coding change: c.7873G>A on transcript NM_182961.4 (MANE Select); coding-DNA position 7873, G replaced by A.
Protein change: p.Glu2625Lys; replaces glutamic acid 2625 with lysine.
Molecular consequence: missense variant.
Genome position (GRCh38, 1-based): chr6:152,391,408, C>T on the plus strand (G>A on the coding strand, the complement: SYNE1 is on the minus strand). VCF-style: chr6-152391408-C-T. GRCh37 (hg19) VCF-style: chr6-152712543-C-T.
Other names: c.7894G>A, p.Glu2632Lys (NM_033071.5); c.7894G>A (NM_033071.3); short protein forms E2625K, E2632K.
Identifiers: ClinVar variation 1520243 (VCV001520243.17), dbSNP rs1186798259, ClinGen allele CA366108979.
Genomic context (GRCh38, chr6:152,391,408, plus strand): 5'-CCTGAATGGCCTTCACCCAGAACCACATGCTTTGCAGTGCTTCCTCCAGGGCTTCGTGCT[C>T]CTGAAGGGCCACCTGGCAGCTCCGGAGTTTCTCTTTGGTCATTCTAAGTAGGTTCTGGTG-3'
Protein context (NP_892006.3, residues 2615-2635): KLRSCQVALQ[Glu2625Lys]HEALEEALQS

ClinVar aggregate classification (germline): Uncertain significance. Review status: criteria provided, multiple submitters, no conflicts (2 of 4 stars). 4 submissions from 4 submitters: Uncertain significance (4). Last evaluated 2025-07-01.

Conditions:
Autosomal recessive ataxia, Beauce type. Also called: SYNE1 Deficiency; Spinocerebellar ataxia, autosomal recessive 8; ATAXIA, RECESSIVE, OF BEAUCE; SYNE1-Related Autosomal Recessive Cerebellar Ataxia. Identifiers: Orphanet 88644, MedGen C1853116, MONDO:0012549, OMIM 610743.
Emery-Dreifuss muscular dystrophy 4, autosomal dominant (EDMD4). Also called: EMERY-DREIFUSS MUSCULAR DYSTROPHY 4 WITH VARIABLE FEATURES. Identifiers: Orphanet 261, MedGen C2751807, MONDO:0013071, OMIM 612998.
SYNE1-related disorder. Also called: SYNE1-related disease; SYNE1-related condition; SYNE1-related disorders.

Allele frequency attached by ClinVar (database versions not stated): gnomAD 0.00001; gnomAD exomes 0.00001; TOPMed 0.00001.
gnomAD v4.1: 7 of 1,613,790 alleles (0.00043%); highest among the groups gnomAD compares: Admixed American, 0.0083%; no homozygotes.

Submissions (4):

CeGaT Center for Human Genetics Tuebingen
Classification: Uncertain significance. Last evaluated: 2025-07-01. Review status: criteria provided, single submitter. Criteria: CeGaT Center For Human Genetics Tuebingen Variant Classification Criteria Version 2. Collection method: clinical testing. Allele origin: germline. Affected: yes. Observed: 2 variant alleles.
Comment: SYNE1: PM2

Labcorp Genetics (formerly Invitae), Labcorp
Classification: Uncertain significance for Emery-Dreifuss muscular dystrophy 4, autosomal dominant; Autosomal recessive ataxia, Beauce type. Last evaluated: 2024-07-21. Review status: criteria provided, single submitter. Criteria: Invitae Variant Classification Sherloc (09022015). Collection method: clinical testing. Allele origin: germline.
Comment: This sequence change replaces glutamic acid, which is acidic and polar, with lysine, which is basic and polar, at codon 2632 of the SYNE1 protein (p.Glu2632Lys). This variant is present in population databases (no rsID available, gnomAD 0.009%). This variant has not been reported in the literature in individuals affected with SYNE1-related conditions. ClinVar contains an entry for this variant (Variation ID: 1520243). An algorithm developed to predict the effect of missense changes on protein structure and function (PolyPhen-2) suggests that this variant¬¨‚Ä†is likely to be tolerated. In summary, the available evidence is currently insufficient to determine the role of this variant in disease. Therefore, it has been classified as a Variant of Uncertain Significance.

Revvity Omics, Revvity
Classification: Uncertain significance. Last evaluated: 2024-07-02. Review status: criteria provided, single submitter. Criteria: ACMG Guidelines, 2015. Collection method: clinical testing. Allele origin: germline.

PreventionGenetics, part of Exact Sciences
Classification: Uncertain significance for SYNE1-related condition. Last evaluated: 2023-04-05. Review status: criteria provided, single submitter. Criteria: ACMG Guidelines, 2015. Collection method: clinical testing. Allele origin: germline.
Comment: The SYNE1 c.7894G>A variant is predicted to result in the amino acid substitution p.Glu2632Lys. To our knowledge, this variant has not been reported in the literature. This variant is reported in 0.0085% of alleles in individuals of Latino descent in gnomAD. At this time, the clinical significance of this variant is uncertain due to the absence of conclusive functional and genetic evidence.